The following is an entry in ClinVar:

NM_006379.5(SEMA3C):c.1892G>A (p.Arg631His)

Gene: SEMA3C (semaphorin 3C; minus strand). Cytogenetic location: 7q21.11.
Variant type: single nucleotide variant.
Coding change: c.1892G>A on transcript NM_006379.5 (MANE Select); coding-DNA position 1892, G replaced by A.
Protein change: p.Arg631His; replaces arginine 631 with histidine.
Molecular consequence: missense variant.
Genome position (GRCh38, 1-based): chr7:80,745,258, C>T on the plus strand (G>A on the coding strand, the complement: SEMA3C is on the minus strand). VCF-style: chr7-80745258-C-T. GRCh37 (hg19) VCF-style: chr7-80374574-C-T.
Other names: c.1946G>A, p.Arg649His (NM_001350120.2); c.1718G>A, p.Arg573His (NM_001350121.2); short protein forms R573H, R631H, R649H.
Identifiers: ClinVar variation 3354728 (VCV003354728.1).
Genomic context (GRCh38, chr7:80,745,258, plus strand): 5'-TTGAAACTATTTTCTGTAGCAATGCAGTGATAAAGTCCTTGGTCAGAACCCTGAACAGAG[C>T]GGATCAGGAGTCCCTGTGAAGTGGCTATTATTCGTTCATTCAGCTTAACCTAAAAGAGAG-3'
Protein context (NP_006370.1, residues 621-641): IIATSQGLLI[Arg631His]SVQGSDQGLY

ClinVar aggregate classification (germline): Uncertain significance (0 of 4 stars; one submission).

Conditions:
SEMA3C-related disorder. Also called: SEMA3C-related condition.

gnomAD v4.1: 23 of 1,613,782 alleles (0.0014%); highest among the groups gnomAD compares: South Asian, 0.011%; no homozygotes.

Submission:

PreventionGenetics, part of Exact Sciences
Classification: Uncertain significance for SEMA3C-related condition. Last evaluated: 2024-03-12. Review status: no assertion criteria provided. Collection method: clinical testing. Allele origin: germline.
Comment: The SEMA3C c.1946G>A variant is predicted to result in the amino acid substitution p.Arg649His. To our knowledge, this variant has not been reported in the literature. This variant is reported in 0.0098% of alleles in individuals of South Asian descent in gnomAD. At this time, the clinical significance of this variant is uncertain due to the absence of conclusive functional and genetic evidence.